The following is an entry in ClinVar:

ClinVar aggregate classification (germline): Uncertain significance (1 of 4 stars; one submission).

Conditions:
Hereditary pheochromocytoma and paraganglioma. Also called: Hereditary pheochromocytoma-paraganglioma; Hereditary Paraganglioma-Pheochromocytoma Syndromes; Hereditary paragangliomas and pheochromocytomas. Identifiers: Orphanet 29072, MedGen C4274332, MONDO:0017366.

Submission:

All of Us Research Program, National Institutes of Health
Classification: Uncertain significance for Hereditary pheochromocytoma and paraganglioma. Last evaluated: 2023-11-30. Review status: criteria provided, single submitter. Criteria: ACMG Guidelines, 2015. Collection method: clinical testing. Allele origin: germline. Inheritance: Autosomal dominant inheritance. Observed: 1 variant allele, 1 heterozygote.
Comment: This study involves interpretation of variants in research participants for the purpose of population health screening. Participant phenotype was not available at the time of variant classification. Additional details can be found in publication PMID: 35346344, PMCID: PMC8962531

NM_003002.4(SDHD):c.5C>A (p.Ala2Glu)

Genes: SDHD (succinate dehydrogenase complex subunit D; plus strand), LOC126861339 (BRD4-independent group 4 enhancer GRCh37_chr11:111957035-111958234; plus strand). Cytogenetic location: 11q23.1.
Variant type: single nucleotide variant.
Coding change: c.5C>A on transcript NM_003002.4 (MANE Select); coding-DNA position 5, C replaced by A.
Protein change: p.Ala2Glu; replaces alanine 2 with glutamic acid.
Molecular consequence: missense variant. On other transcripts: non-coding transcript variant (1).
Genome position (GRCh38, 1-based): chr11:112,086,912, C>A. VCF-style: chr11-112086912-C-A. GRCh37 (hg19) VCF-style: chr11-111957636-C-A.
Other names: c.5C>A, p.Ala2Glu (NM_001276503.2, NM_001276504.2, NM_001276506.2); short protein forms A2E.
Identifiers: ClinVar variation 3073916 (VCV003073916.1), dbSNP rs1440670464, ClinGen allele CA382616616.